The following is an entry in ClinVar:

NM_032520.5(GNPTG):c.787C>T (p.Leu263Phe)

Gene: GNPTG (N-acetylglucosamine-1-phosphate transferase subunit gamma; plus strand). Cytogenetic location: 16p13.3.
Variant type: single nucleotide variant.
Coding change: c.787C>T on transcript NM_032520.5 (MANE Select); coding-DNA position 787, C replaced by T.
Protein change: p.Leu263Phe; replaces leucine 263 with phenylalanine.
Molecular consequence: missense variant.
Genome position (GRCh38, 1-based): chr16:1,362,870, C>T. VCF-style: chr16-1362870-C-T. GRCh37 (hg19) VCF-style: chr16-1412871-C-T.
Other names: short protein forms L263F.
Identifiers: ClinVar variation 1363540 (VCV001363540.3), dbSNP rs1050479247, ClinGen allele CA276659295.

ClinVar aggregate classification (germline): Uncertain significance (1 of 4 stars; one submission).

Allele frequency attached by ClinVar (database versions not stated): gnomAD 0.00001; TOPMed 0.00002.

Submission:

Labcorp Genetics (formerly Invitae), Labcorp
Classification: Uncertain significance. Last evaluated: 2021-10-22. Review status: criteria provided, single submitter. Criteria: Invitae Variant Classification Sherloc (09022015). Collection method: clinical testing. Allele origin: germline.
Comment: This sequence change replaces leucine with phenylalanine at codon 263 of the GNPTG protein (p.Leu263Phe). The leucine residue is highly conserved and there is a small physicochemical difference between leucine and phenylalanine. This variant is not present in population databases (ExAC no frequency). This variant has not been reported in the literature in individuals affected with GNPTG-related conditions. Algorithms developed to predict the effect of missense changes on protein structure and function are either unavailable or do not agree on the potential impact of this missense change (SIFT: "Tolerated"; PolyPhen-2: "Probably Damaging"; Align-GVGD: "Class C0"). In summary, the available evidence is currently insufficient to determine the role of this variant in disease. Therefore, it has been classified as a Variant of Uncertain Significance.